The following is an entry in ClinVar:

NM_004329.3(BMPR1A):c.1166+6T>C

Gene: BMPR1A (bone morphogenetic protein receptor type 1A; plus strand). Cytogenetic location: 10q23.2.
Variant type: single nucleotide variant.
Coding change: c.1166+6T>C on transcript NM_004329.3 (MANE Select); 6 bases into the intron after coding-DNA position 1166, T replaced by C.
Molecular consequence: intron variant.
Genome position (GRCh38, 1-based): chr10:86,919,475, T>C. VCF-style: chr10-86919475-T-C. GRCh37 (hg19) VCF-style: chr10-88679232-T-C.
Other names: c.1166+6T>C (NM_001406562.1, NM_001406568.1, NM_001406567.1 and 19 more transcripts); c.1082+6T>C (NM_001406584.1, NM_001406588.1, NM_001406587.1 and 2 more transcripts); c.1214+6T>C (NM_001406560.1); c.1241+6T>C (NM_001406559.1); c.1160+6T>C (NM_001406583.1); c.824+6T>C (NM_001406589.1).
Identifiers: ClinVar variation 4713462 (VCV004713462.1).
Genomic context (GRCh38, chr10:86,919,475, plus strand): 5'-AGAAAAATGGGAGTTGCTGCATTGCTGACCTGGGCCTTGCTGTTAAATTCAACAGGTGAG[T>C]GGTTCTTTGCCCCACTGTTTTGAAATTATTTTAATTTCCAAAAGATATTTCCCTATTTGT-3'

ClinVar aggregate classification (germline): Uncertain significance (1 of 4 stars; one submission).

Conditions:
Juvenile polyposis syndrome (JPS). Identifiers: Orphanet 2929, MedGen C0345893, MONDO:0017380, OMIM 174900.

Submission:

Labcorp Genetics (formerly Invitae), Labcorp
Classification: Uncertain significance for Juvenile polyposis syndrome. Last evaluated: 2025-02-19. Review status: criteria provided, single submitter. Criteria: Invitae Variant Classification Sherloc (09022015). Collection method: clinical testing. Allele origin: germline.
Comment: This sequence change falls in intron 10 of the BMPR1A gene. It does not directly change the encoded amino acid sequence of the BMPR1A protein. It affects a nucleotide within the consensus splice site. This variant is not present in population databases (gnomAD no frequency). This variant has not been reported in the literature in individuals affected with BMPR1A-related conditions. Variants that disrupt the consensus splice site are a relatively common cause of aberrant splicing (PMID: 17576681, 9536098). Algorithms developed to predict the effect of sequence changes on RNA splicing suggest that this variant is not likely to affect RNA splicing. In summary, the available evidence is currently insufficient to determine the role of this variant in disease. Therefore, it has been classified as a Variant of Uncertain Significance.

Literature cited by the submitters: PubMed 17576681; PubMed 9536098.